The following is an entry in ClinVar:

ClinVar aggregate classification (germline): Pathogenic. Review status: criteria provided, multiple submitters, no conflicts (2 of 4 stars). 2 submissions from 2 submitters: Pathogenic (2). Last evaluated 2025-02-01.

Conditions:
Long QT syndrome (LQTS). Identifiers: MedGen C0023976, MeSH D008133, MONDO:0002442. Disease mechanism: loss of function. Inheritance: Various modes of inheritance.

Submissions (2):

CeGaT Center for Human Genetics Tuebingen
Classification: Pathogenic. Last evaluated: 2025-02-01. Review status: criteria provided, single submitter. Criteria: CeGaT Center For Human Genetics Tuebingen Variant Classification Criteria Version 2. Collection method: clinical testing. Allele origin: germline. Affected: yes. Observed: 1 variant allele.
Comment: KCNH2: PVS1, PM2

Labcorp Genetics (formerly Invitae), Labcorp
Classification: Pathogenic for Long QT syndrome. Last evaluated: 2023-06-21. Review status: criteria provided, single submitter. Criteria: Invitae Variant Classification Sherloc (09022015). Collection method: clinical testing. Allele origin: germline.
Comment: ClinVar contains an entry for this variant (Variation ID: 972416). This variant is also known as 2784delG, (p.G928fs+44X). This premature translational stop signal has been observed in individual(s) with long QT syndrome (PMID: 19716085). This variant is not present in population databases (gnomAD no frequency). This sequence change creates a premature translational stop signal (p.Glu929Argfs*45) in the KCNH2 gene. It is expected to result in an absent or disrupted protein product. Loss-of-function variants in KCNH2 are known to be pathogenic (PMID: 10973849, 19862833). For these reasons, this variant has been classified as Pathogenic.

Literature cited by the submitters: PubMed 19716085 (cited by Labcorp Genetics (formerly Invitae), Labcorp); PubMed 10973849 (cited by Labcorp Genetics (formerly Invitae), Labcorp); PubMed 19862833 (cited by Labcorp Genetics (formerly Invitae), Labcorp).

NM_000238.4(KCNH2):c.2785del (p.Glu929fs)

Gene: KCNH2 (potassium voltage-gated channel subfamily H member 2; minus strand). Cytogenetic location: 7q36.1.
Variant type: Deletion.
Coding change: c.2785del on transcript NM_000238.4 (MANE Select); coding-DNA position 2785, one base deleted (G; older notation c.2785delG).
Protein change: p.Glu929fs; shifts the reading frame from glutamic acid 929.
Molecular consequence: frameshift variant.
Genome position (GRCh38, 1-based): chr7:150,947,786, C deleted on the plus strand (G on the coding strand, the reverse complement: KCNH2 is on the minus strand); the first of 6 consecutive C bases (chr7:150,947,786-150,947,791); deleting any one gives the same sequence. VCF-style (leftmost placement, unchanged base first): chr7-150947785-TC-T. GRCh37 (hg19) VCF-style: chr7-150644873-TC-T.
Other names: c.1765del, p.Glu589fs (NM_172057.3); short protein forms E929fs, E589fs.
Identifiers: ClinVar variation 972416 (VCV000972416.22), dbSNP rs794728458, ClinGen allele CA1139660335.